The following is an entry in ClinVar:

ClinVar aggregate classification (germline): Pathogenic (1 of 4 stars; one submission).

Submission:

Labcorp Genetics (formerly Invitae), Labcorp
Classification: Pathogenic. Last evaluated: 2024-11-11. Review status: criteria provided, single submitter. Criteria: Invitae Variant Classification Sherloc (09022015). Collection method: clinical testing. Allele origin: germline.
Comment: This sequence change creates a premature translational stop signal (p.Lys234*) in the CHM gene. It is expected to result in an absent or disrupted protein product. Loss-of-function variants in CHM are known to be pathogenic (PMID: 9067750, 23811034). This variant is not present in population databases (gnomAD no frequency). This premature translational stop signal has been observed in individual(s) with choroideremia (PMID: 20027300, 27247961). ClinVar contains an entry for this variant (Variation ID: 1455562). For these reasons, this variant has been classified as Pathogenic.

Literature cited by the submitters: PubMed 9067750; PubMed 23811034; PubMed 20027300; PubMed 27247961.

NM_000390.4(CHM):c.700A>T (p.Lys234Ter)

Gene: CHM (CHM Rab escort protein; minus strand). Cytogenetic location: Xq21.2.
Variant type: single nucleotide variant.
Coding change: c.700A>T on transcript NM_000390.4 (MANE Select); coding-DNA position 700, A replaced by T.
Protein change: p.Lys234Ter; replaces lysine 234 with a stop codon.
Molecular consequence: nonsense.
Genome position (GRCh38, 1-based): chrX:85,963,667, T>A on the plus strand (A>T on the coding strand, the complement: CHM is on the minus strand). VCF-style: chrX-85963667-T-A. GRCh37 (hg19) VCF-style: chrX-85218672-T-A.
Other names: c.256A>T, p.Lys86Ter (NM_001320959.1, NM_001362517.1, NM_001362518.2 and 1 more transcripts); short protein forms K234*, K86*.
Identifiers: ClinVar variation 1455562 (VCV001455562.8), dbSNP rs2147675263, ClinGen allele CA413786238.